The following is an entry in ClinVar:

ClinVar aggregate classification (germline): Pathogenic (1 of 4 stars; one submission).

Submission:

CeGaT Center for Human Genetics Tuebingen
Classification: Pathogenic. Last evaluated: 2022-07-01. Review status: criteria provided, single submitter. Criteria: CeGaT Center For Human Genetics Tuebingen Variant Classification Criteria Version 2. Collection method: clinical testing. Allele origin: germline. Affected: yes. Observed: 1 variant allele.
Comment: GPAA1: PVS1, PM2, PM3

NM_003801.4(GPAA1):c.956_966delinsG (p.Leu319fs)

Gene: GPAA1 (glycosylphosphatidylinositol anchor attachment 1; plus strand). Cytogenetic location: 8q24.3.
Variant type: Indel.
Coding change: c.956_966delinsG on transcript NM_003801.4 (MANE Select); coding-DNA positions 956 to 966, TGCGTGGCATC replaced by G.
Protein change: p.Leu319fs; shifts the reading frame from leucine 319.
Molecular consequence: frameshift variant.
Genome position (GRCh38, 1-based): chr8:144,084,555-144,084,565, TGCGTGGCATC replaced by G. VCF-style: chr8-144084555-TGCGTGGCATC-G. GRCh37 (hg19) VCF-style: chr8-145139458-TGCGTGGCATC-G.
Other names: short protein forms L319fs.
Identifiers: ClinVar variation 1701557 (VCV001701557.31), dbSNP rs2129944173, ClinGen allele CA2580078662.